The following is an entry in ClinVar:

NM_005876.5(SPEG):c.8710A>G (p.Thr2904Ala)

Genes: ASIC4-AS1 (ASIC4 antisense RNA 1; minus strand), SPEG (striated muscle enriched protein kinase; plus strand). Cytogenetic location: 2q35.
Variant type: single nucleotide variant.
Coding change: c.8710A>G on transcript NM_005876.5 (MANE Select); coding-DNA position 8710, A replaced by G.
Protein change: p.Thr2904Ala; replaces threonine 2904 with alanine.
Molecular consequence: missense variant.
Genome position (GRCh38, 1-based): chr2:219,489,728, A>G. VCF-style: chr2-219489728-A-G. GRCh37 (hg19) VCF-style: chr2-220354450-A-G.
Other names: short protein forms T2904A.
Identifiers: ClinVar variation 1492764 (VCV001492764.4), dbSNP rs535105065, ClinGen allele CA2127551.

ClinVar aggregate classification (germline): Uncertain significance (1 of 4 stars; one submission).

Allele frequency attached by ClinVar (database versions not stated): gnomAD 0.00001 and 0.00003; gnomAD exomes 0.00001 and 0.00006; TOPMed 0.00001; ExAC 0.00008; 1000 Genomes Project 0.00060; 1000 Genomes Project 30x 0.00078.
gnomAD v4.1: 12 of 1,613,838 alleles (0.00074%); highest among the groups gnomAD compares: East Asian, 0.025%; no homozygotes.

Submission:

Labcorp Genetics (formerly Invitae), Labcorp
Classification: Uncertain significance. Last evaluated: 2022-06-13. Review status: criteria provided, single submitter. Criteria: Invitae Variant Classification Sherloc (09022015). Collection method: clinical testing. Allele origin: germline.
Comment: In summary, the available evidence is currently insufficient to determine the role of this variant in disease. Therefore, it has been classified as a Variant of Uncertain Significance. Algorithms developed to predict the effect of sequence changes on RNA splicing suggest that this variant may disrupt the consensus splice site. Algorithms developed to predict the effect of missense changes on protein structure and function are either unavailable or do not agree on the potential impact of this missense change (SIFT: "Tolerated"; PolyPhen-2: "Probably Damaging"; Align-GVGD: "Class C0"). This missense change has been observed in individual(s) with autosomal recessive centronuclear myopathy (PMID: 31625632). It has also been observed to segregate with disease in related individuals. This variant is present in population databases (rs535105065, gnomAD 0.08%). This sequence change replaces threonine, which is neutral and polar, with alanine, which is neutral and non-polar, at codon 2904 of the SPEG protein (p.Thr2904Ala).

Literature cited by the submitters: PubMed 31625632.